The following is an entry in ClinVar:

NM_178822.5(IGSF10):c.4451G>C (p.Arg1484Thr)

Gene: IGSF10 (immunoglobulin superfamily member 10; minus strand). Cytogenetic location: 3q25.1.
Variant type: single nucleotide variant.
Coding change: c.4451G>C on transcript NM_178822.5 (MANE Select); coding-DNA position 4451, G replaced by C.
Protein change: p.Arg1484Thr; replaces arginine 1484 with threonine.
Molecular consequence: missense variant.
Genome position (GRCh38, 1-based): chr3:151,445,530, C>G on the plus strand (G>C on the coding strand, the complement: IGSF10 is on the minus strand). VCF-style: chr3-151445530-C-G. GRCh37 (hg19) VCF-style: chr3-151163318-C-G.
Other names: c.4451G>C (NM_178822.4); c.4451G>C, p.Arg1484Thr (NM_001385060.1, NM_001385061.1, NM_001385062.1 and 1 more transcripts); short protein forms R1484T.
Identifiers: ClinVar variation 2192818 (VCV002192818.5), dbSNP rs756502050, ClinGen allele CA2669967.
Genomic context (GRCh38, chr3:151,445,530, plus strand): 5'-TTGACCACTGTATTTGTCATAAGCCCGGAAATGGGAGTCGCCACGTTGTCAGTAACTGCT[C>G]TCTGAGTAAAGGGAGGGGAGATGGGAACTGGCATTAGAGTAGCACTGCTGCTCAAGAATG-3'
Protein context (NP_849144.2, residues 1474-1494): PVPISPPFTQ[Arg1484Thr]AVTDNVATPI

ClinVar aggregate classification (germline): Uncertain significance. Review status: criteria provided, multiple submitters, no conflicts (2 of 4 stars). 2 submissions from 2 submitters: Uncertain significance (2). Last evaluated 2024-09-24.

Allele frequency attached by ClinVar (database versions not stated): gnomAD exomes 0.00001; TOPMed 0.00001; ExAC 0.00002.
gnomAD v4.1: 20 of 1,614,148 alleles (0.0012%); highest among the groups gnomAD compares: African/African-American, 0.015%; no homozygotes.

Submissions (2):

Ambry Genetics
Classification: Uncertain significance. Last evaluated: 2024-09-24. Review status: criteria provided, single submitter. Criteria: Ambry Variant Classification Scheme 2023. Collection method: clinical testing. Allele origin: germline.

Labcorp Genetics (formerly Invitae), Labcorp
Classification: Uncertain significance. Last evaluated: 2022-09-14. Review status: criteria provided, single submitter. Criteria: Invitae Variant Classification Sherloc (09022015). Collection method: clinical testing. Allele origin: germline.
Comment: In summary, the available evidence is currently insufficient to determine the role of this variant in disease. Therefore, it has been classified as a Variant of Uncertain Significance. Algorithms developed to predict the effect of missense changes on protein structure and function (SIFT, PolyPhen-2, Align-GVGD) all suggest that this variant is likely to be tolerated. This variant has not been reported in the literature in individuals affected with IGSF10-related conditions. This variant is present in population databases (rs756502050, gnomAD 0.0009%). This sequence change replaces arginine, which is basic and polar, with threonine, which is neutral and polar, at codon 1484 of the IGSF10 protein (p.Arg1484Thr).